The following is an entry in ClinVar:

ClinVar aggregate classification (germline): Uncertain significance. Review status: criteria provided, multiple submitters, no conflicts (2 of 4 stars). 2 submissions from 2 submitters: Uncertain significance (2). Last evaluated 2025-11-11.

Conditions:
Inborn genetic diseases. Identifiers: MedGen C0950123, MeSH D030342.

Allele frequency attached by ClinVar (database versions not stated): gnomAD exomes 0.00001; ExAC 0.00004; TOPMed 0.00001.
gnomAD v4.1: 21 of 1,612,584 alleles (0.0013%); highest among the groups gnomAD compares: Admixed American, 0.0033%; no homozygotes.

Submissions (2):

Ambry Genetics
Classification: Uncertain significance for Inborn genetic diseases. Last evaluated: 2025-11-11. Review status: criteria provided, single submitter. Criteria: Ambry Variant Classification Scheme 2023. Collection method: clinical testing. Allele origin: germline.

Labcorp Genetics (formerly Invitae), Labcorp
Classification: Uncertain significance. Last evaluated: 2025-10-10. Review status: criteria provided, single submitter. Criteria: Invitae Variant Classification Sherloc (09022015). Collection method: clinical testing. Allele origin: germline.
Comment: This sequence change replaces serine, which is neutral and polar, with leucine, which is neutral and non-polar, at codon 271 of the PACS2 protein (p.Ser271Leu). This variant is present in population databases (rs781996736, gnomAD 0.005%). This variant has not been reported in the literature in individuals affected with PACS2-related conditions. ClinVar contains an entry for this variant (Variation ID: 2721072). An algorithm developed to predict the effect of missense changes on protein structure and function (PolyPhen-2) suggests that this variant is likely to be disruptive. In summary, the available evidence is currently insufficient to determine the role of this variant in disease. Therefore, it has been classified as a Variant of Uncertain Significance.

NM_001100913.3(PACS2):c.812C>T (p.Ser271Leu)

Gene: PACS2 (phosphofurin acidic cluster sorting protein 2; plus strand). Cytogenetic location: 14q32.33.
Variant type: single nucleotide variant.
Coding change: c.812C>T on transcript NM_001100913.3 (MANE Select); coding-DNA position 812, C replaced by T.
Protein change: p.Ser271Leu; replaces serine 271 with leucine.
Molecular consequence: missense variant.
Genome position (GRCh38, 1-based): chr14:105,376,778, C>T. VCF-style: chr14-105376778-C-T. GRCh37 (hg19) VCF-style: chr14-105843115-C-T.
Other names: c.587C>T, p.Ser196Leu (NM_001243127.3); c.812C>T, p.Ser271Leu (NM_015197.4); c.812C>T (NM_001100913.2); short protein forms S196L, S271L.
Identifiers: ClinVar variation 2721072 (VCV002721072.4), dbSNP rs781996736, ClinGen allele CA7388603.